The following is an entry in ClinVar:

ClinVar aggregate classification (germline): Uncertain significance. Review status: criteria provided, multiple submitters, no conflicts (2 of 4 stars). 2 submissions from 2 submitters: Uncertain significance (2). Last evaluated 2024-04-06.

Conditions:
Congenital primary aphakia. Also called: ANTERIOR SEGMENT DYSGENESIS 2; Anterior segment dysgenesis 2, multiple subtypes. Identifiers: Orphanet 83461, MedGen C1853230, MONDO:0012456, OMIM 610256.
Anterior segment dysgenesis. Also called: Ocular anterior segment dysgenesis. Identifiers: Orphanet 88632, MedGen C1862839, MONDO:0019503, HP:0007700.
Cardiovascular phenotype. Identifiers: MedGen CN230736.

Allele frequency attached by ClinVar (database versions not stated): TOPMed 0.00001; gnomAD 0.00003.

Submissions (2):

Labcorp Genetics (formerly Invitae), Labcorp
Classification: Uncertain significance for Anterior segment dysgenesis; Congenital primary aphakia. Last evaluated: 2024-04-06. Review status: criteria provided, single submitter. Criteria: Invitae Variant Classification Sherloc (09022015). Collection method: clinical testing. Allele origin: germline.
Comment: This sequence change replaces glycine, which is neutral and non-polar, with arginine, which is basic and polar, at codon 209 of the FOXE3 protein (p.Gly209Arg). This variant is not present in population databases (gnomAD no frequency). This variant has not been reported in the literature in individuals affected with FOXE3-related conditions. ClinVar contains an entry for this variant (Variation ID: 862439). Advanced modeling of protein sequence and biophysical properties (such as structural, functional, and spatial information, amino acid conservation, physicochemical variation, residue mobility, and thermodynamic stability) performed at Invitae indicates that this missense variant is not expected to disrupt FOXE3 protein function with a negative predictive value of 80%. In summary, the available evidence is currently insufficient to determine the role of this variant in disease. Therefore, it has been classified as a Variant of Uncertain Significance.

Ambry Genetics
Classification: Uncertain significance for Cardiovascular phenotype. Last evaluated: 2024-01-22. Review status: criteria provided, single submitter. Criteria: Ambry Variant Classification Scheme 2023. Collection method: clinical testing. Allele origin: germline.
Comment: The p.G209R variant (also known as c.625G>C), located in coding exon 1 of the FOXE3 gene, results from a G to C substitution at nucleotide position 625. The glycine at codon 209 is replaced by arginine, an amino acid with dissimilar properties. This amino acid position is conserved. In addition, this alteration is predicted to be tolerated by in silico analysis. Since supporting evidence is limited at this time, the clinical significance of this alteration remains unclear.

NM_012186.3(FOXE3):c.625G>C (p.Gly209Arg)

Genes: FOXE3 (forkhead box E3; plus strand), LINC01389 (long independently transcribed non-coding RNA 1389; minus strand). Cytogenetic location: 1p33.
Variant type: single nucleotide variant.
Coding change: c.625G>C on transcript NM_012186.3 (MANE Select); coding-DNA position 625, G replaced by C.
Protein change: p.Gly209Arg; replaces glycine 209 with arginine.
Molecular consequence: missense variant.
Genome position (GRCh38, 1-based): chr1:47,416,940, G>C. VCF-style: chr1-47416940-G-C. GRCh37 (hg19) VCF-style: chr1-47882612-G-C.
Other names: short protein forms G209R.
Identifiers: ClinVar variation 862439 (VCV000862439.12), dbSNP rs1226906213, ClinGen allele CA340250366.